The following is an entry in ClinVar:

NM_001110556.2(FLNA):c.7796C>A (p.Thr2599Asn)

Genes: FLNA (filamin A; minus strand), LOC107988032 (Xq28 proximal FLNA-EMD recombination region; plus strand). Cytogenetic location: Xq28.
Variant type: single nucleotide variant.
Coding change: c.7796C>A on transcript NM_001110556.2 (MANE Select); coding-DNA position 7796, C replaced by A.
Protein change: p.Thr2599Asn; replaces threonine 2599 with asparagine.
Molecular consequence: missense variant.
Genome position (GRCh38, 1-based): chrX:154,348,997, G>T on the plus strand (C>A on the coding strand, the complement: FLNA is on the minus strand). VCF-style: chrX-154348997-G-T. GRCh37 (hg19) VCF-style: chrX-153577365-G-T.
Other names: c.7772C>A, p.Thr2591Asn (NM_001456.4); short protein forms T2591N, T2599N.
Identifiers: ClinVar variation 264331 (VCV000264331.16), dbSNP rs782593788, ClinGen allele CA10559825.

ClinVar aggregate classification (germline): Conflicting classifications of pathogenicity. Review status: criteria provided, conflicting classifications (1 of 4 stars). 4 submissions from 4 submitters: Uncertain significance (2); Benign (1); Likely benign (1). Last evaluated 2025-12-01.

Conditions:
Frontometaphyseal dysplasia (FMD1). Identifiers: Orphanet 1826, MedGen C0265293, MONDO:0015942.
Melnick-Needles syndrome (MNS). Also called: MELNICK-NEEDLES OSTEODYSPLASTY; Melnick-Needles Syndrome (FLNA-MNS); OSTEODYSPLASTY OF MELNICK AND NEEDLES. Identifiers: Orphanet 2484, MedGen C0025237, MONDO:0010650, OMIM 309350.
Oto-palato-digital syndrome, type II (OPD2). Also called: FACIOPALATOOSSEOUS SYNDROME; Otopalatodigital Syndrome Type 2 (FLNA-OPD2); Otopalatodigital Syndrome, Type II; OPD II SYNDROME. Identifiers: Orphanet 669, Orphanet 90652, MedGen C1844696, MONDO:0010571, OMIM 304120.
Heterotopia, periventricular, X-linked dominant (PVNH1). Also called: PERIVENTRICULAR NODULAR HETEROTOPIA 4; HETEROTOPIA, PERIVENTRICULAR, 1; X-linked periventricular heterotopia; PERIVENTRICULAR NODULAR HETEROTOPIA 1. Identifiers: Orphanet 2149, Orphanet 82004, MedGen C1848213, MONDO:0010233, OMIM 300049.
Familial thoracic aortic aneurysm and aortic dissection (TAAD). Also called: Thoracic aortic aneurysms and dissections. Identifiers: Orphanet 91387, MedGen C4707243, MONDO:0019625.

Allele frequency attached by ClinVar (database versions not stated): ExAC 0.00001; gnomAD exomes 0.00001 and 0.00002; TOPMed 0.00001.

Submissions (4):

Labcorp Genetics (formerly Invitae), Labcorp
Classification: Benign for Oto-palato-digital syndrome, type II; Heterotopia, periventricular, X-linked dominant; Frontometaphyseal dysplasia; Melnick-Needles syndrome. Last evaluated: 2025-12-01. Review status: criteria provided, single submitter. Criteria: Invitae Variant Classification Sherloc (09022015). Collection method: clinical testing. Allele origin: germline.

Blueprint Genetics
Classification: Likely benign. Last evaluated: 2024-11-15. Review status: criteria provided, single submitter. Criteria: ACMG Guidelines, 2015. Collection method: clinical testing. Allele origin: germline.

GeneDx
Classification: Uncertain significance. Last evaluated: 2024-07-05. Review status: criteria provided, single submitter. Criteria: GeneDx Variant Classification Process June 2021. Collection method: clinical testing. Allele origin: germline. Affected: yes.
Comment: In silico analysis supports that this missense variant has a deleterious effect on protein structure/function; Has not been previously published as pathogenic or benign to our knowledge

Ambry Genetics
Classification: Uncertain significance for Familial thoracic aortic aneurysm and aortic dissection. Last evaluated: 2019-05-31. Review status: criteria provided, single submitter. Criteria: Ambry Variant Classification Scheme 2023. Collection method: clinical testing. Allele origin: germline.
Comment: The p.T2591N variant (also known as c.7772C>A), located in coding exon 46 of the FLNA gene, results from a C to A substitution at nucleotide position 7772. The threonine at codon 2591 is replaced by asparagine, an amino acid with similar properties. This amino acid position is not well conserved in available vertebrate species. In addition, this alteration is predicted to be tolerated by in silico analysis. Since supporting evidence is limited at this time, the clinical significance of this variant remains unclear.